The following is an entry in ClinVar:

ClinVar aggregate classification (germline): Uncertain significance (1 of 4 stars; one submission).

Conditions:
Ataxia-telangiectasia syndrome (AT). Also called: LOUIS-BAR SYNDROME; Cerebello-oculocutaneous telangiectasia; Immunodeficiency with ataxia telangiectasia; Ataxia telangiectasia (A-T); Ataxia-telangiectasia, complementation group D; AT, COMPLEMENTATION GROUP C. Identifiers: Orphanet 100, MedGen C0004135, MONDO:0008840, OMIM 208900.

Submission:

Labcorp Genetics (formerly Invitae), Labcorp
Classification: Uncertain significance for Ataxia-telangiectasia syndrome. Last evaluated: 2024-01-19. Review status: criteria provided, single submitter. Criteria: Invitae Variant Classification Sherloc (09022015). Collection method: clinical testing. Allele origin: germline.
Comment: This sequence change replaces arginine, which is basic and polar, with glycine, which is neutral and non-polar, at codon 2909 of the ATM protein (p.Arg2909Gly). This variant is not present in population databases (gnomAD no frequency). This missense change has been observed in individual(s) with ataxia-telangiectasia (PMID: 9792410). An algorithm developed to predict the effect of missense changes on protein structure and function (PolyPhen-2) suggests that this variant is likely to be disruptive. In summary, the available evidence is currently insufficient to determine the role of this variant in disease. Therefore, it has been classified as a Variant of Uncertain Significance.

Literature cited by the submitters: PubMed 9792410.

NM_000051.4(ATM):c.8725A>G (p.Arg2909Gly)

Genes: ATM (ATM serine/threonine kinase; plus strand), C11orf65 (chromosome 11 open reading frame 65; minus strand). Cytogenetic location: 11q22.3.
Variant type: single nucleotide variant.
Coding change: c.8725A>G on transcript NM_000051.4 (MANE Select); coding-DNA position 8725, A replaced by G.
Protein change: p.Arg2909Gly; replaces arginine 2909 with glycine.
Molecular consequence: missense variant. On other transcripts: intron variant (2).
Genome position (GRCh38, 1-based): chr11:108,353,819, A>G. VCF-style: chr11-108353819-A-G. GRCh37 (hg19) VCF-style: chr11-108224546-A-G.
Other names: c.8725A>G, p.Arg2909Gly (NM_001351834.2); c.640+32101T>C (NM_001330368.2); c.695-18527T>C (NM_001351110.2); short protein forms R2909G.
Identifiers: ClinVar variation 2735751 (VCV002735751.3), dbSNP rs1555142845, ClinGen allele CA382523883.